The following is an entry in ClinVar:

ClinVar aggregate classification (germline): Uncertain significance. Review status: criteria provided, multiple submitters, no conflicts (2 of 4 stars). 2 submissions from 2 submitters: Uncertain significance (2). Last evaluated 2022-06-13.

Conditions:
Familial focal epilepsy with variable foci (FPEVF). Identifiers: Orphanet 98820, MedGen C1858477, MONDO:0020310.

Allele frequency attached by ClinVar (database versions not stated): TOPMed below 0.00001.

Submissions (2):

Labcorp Genetics (formerly Invitae), Labcorp
Classification: Uncertain significance for Familial focal epilepsy with variable foci. Last evaluated: 2022-06-13. Review status: criteria provided, single submitter. Criteria: Invitae Variant Classification Sherloc (09022015). Collection method: clinical testing. Allele origin: germline.
Comment: In summary, the available evidence is currently insufficient to determine the role of this variant in disease. Therefore, it has been classified as a Variant of Uncertain Significance. Algorithms developed to predict the effect of missense changes on protein structure and function are either unavailable or do not agree on the potential impact of this missense change (SIFT: "Tolerated"; PolyPhen-2: "Not Available"; Align-GVGD: "Class C0"). ClinVar contains an entry for this variant (Variation ID: 424044). This variant has not been reported in the literature in individuals affected with DEPDC5-related conditions. This variant is not present in population databases (gnomAD no frequency). This sequence change replaces cysteine, which is neutral and slightly polar, with phenylalanine, which is neutral and non-polar, at codon 416 of the DEPDC5 protein (p.Cys416Phe).

GeneDx
Classification: Uncertain significance. Last evaluated: 2017-03-03. Review status: criteria provided, single submitter. Criteria: GeneDx Variant Classification (06012015). Collection method: clinical testing. Allele origin: germline. Affected: yes.
Comment: The C416F variant in the DEPDC5 gene has not been reported previously as a pathogenic variant, nor as a benign variant, to our knowledge. This variant is not observed in large population cohorts (Lek et al., 2016; 1000 Genomes Consortium et al., 2015; Exome Variant Server). The C416F variant is a non-conservative amino acid substitution, which is likely to impact secondary protein structure as these residues differ in polarity, charge, size and/or other properties. This substitution occurs at a position that is conserved across species. In silico analysis is inconsistent in its predictions as to whether or not the variant is damaging to the protein structure/function. We interpret C416F as a variant of uncertain significance.

NM_001242896.3(DEPDC5):c.1247G>T (p.Cys416Phe)

Gene: DEPDC5 (DEP domain containing 5, GATOR1 subcomplex subunit; plus strand). Cytogenetic location: 22q12.3.
Variant type: single nucleotide variant.
Coding change: c.1247G>T on transcript NM_001242896.3 (MANE Select); coding-DNA position 1247, G replaced by T.
Protein change: p.Cys416Phe; replaces cysteine 416 with phenylalanine.
Molecular consequence: missense variant. On other transcripts: non-coding transcript variant (5).
Genome position (GRCh38, 1-based): chr22:31,806,151, G>T. VCF-style: chr22-31806151-G-T. GRCh37 (hg19) VCF-style: chr22-32202137-G-T.
Other names: c.1247G>T, p.Cys416Phe (NM_001007188.4, NM_001136029.4, NM_001242897.2 and 7 more transcripts); c.1163G>T, p.Cys388Phe (NM_001369901.1, NM_001369902.1); short protein forms C416F, C388F.
Identifiers: ClinVar variation 424044 (VCV000424044.6), dbSNP rs767747105, ClinGen allele CA16621106.